The following is an entry in ClinVar:

ClinVar aggregate classification (germline): Uncertain significance (1 of 4 stars; one submission).

Submission:

GeneDx
Classification: Uncertain significance. Last evaluated: 2024-04-02. Review status: criteria provided, single submitter. Criteria: GeneDx Variant Classification Process June 2021. Collection method: clinical testing. Allele origin: germline. Affected: yes.
Comment: Not observed at significant frequency in large population cohorts (gnomAD); In silico analysis supports a deleterious effect on splicing; Has not been previously published as pathogenic or benign to our knowledge

NM_001371395.1(USP53):c.823-5A>G

Gene: USP53 (ubiquitin specific peptidase 53; plus strand). Cytogenetic location: 4q26.
Variant type: single nucleotide variant.
Coding change: c.823-5A>G on transcript NM_001371395.1 (MANE Select); 5 bases into the intron before coding-DNA position 823, A replaced by G.
Molecular consequence: intron variant.
Genome position (GRCh38, 1-based): chr4:119,261,710, A>G. VCF-style: chr4-119261710-A-G. GRCh37 (hg19) VCF-style: chr4-120182865-A-G.
Other names: c.823-5A>G (NM_019050.3, NM_001389661.1, NM_001389658.1 and 5 more transcripts); c.475-5A>G (NM_001389663.1, NM_001389667.1, NM_001389664.1 and 3 more transcripts); c.822+1057A>G (NM_001389660.1).
Identifiers: ClinVar variation 3371695 (VCV003371695.1).